The following is an entry in ClinVar:

ClinVar aggregate classification (germline): Conflicting classifications of pathogenicity. Review status: criteria provided, conflicting classifications (1 of 4 stars). 3 submissions from 3 submitters: Pathogenic (1); Likely pathogenic (1); Uncertain significance (1). Last evaluated 2025-10-04.

Conditions:
Noonan syndrome 10 (NS10). Identifiers: Orphanet 648, MedGen C4225280, MONDO:0014693, OMIM 616564.
Hereditary cancer-predisposing syndrome. Also called: Neoplastic Syndromes, Hereditary; Hereditary Cancer Syndrome; Tumor predisposition; Hereditary neoplastic syndrome. Identifiers: Orphanet 140162, MedGen C0027672, MeSH D009386, MONDO:0015356.
Cardiovascular phenotype. Identifiers: MedGen CN230736.

Submissions (3):

GeneDx
Classification: Pathogenic. Last evaluated: 2025-10-04. Review status: criteria provided, single submitter. Criteria: GeneDx Variant Classification Process June 2021. Collection method: clinical testing. Allele origin: germline. Affected: yes.
Comment: Not observed at significant frequency in large population cohorts (gnomAD); In silico analysis supports that this missense variant has a deleterious effect on protein structure/function; Has not been previously published as pathogenic or benign to our knowledge

Ambry Genetics
Classification: Likely pathogenic for Cardiovascular phenotype; Hereditary cancer-predisposing syndrome. Last evaluated: 2024-12-31. Review status: criteria provided, single submitter. Criteria: Ambry Variant Classification Scheme 2023. Collection method: clinical testing. Allele origin: germline.
Comment: The p.M91T variant (also known as c.272T>C), located in coding exon 3 of the LZTR1 gene, results from a T to C substitution at nucleotide position 272. The methionine at codon 91 is replaced by threonine, an amino acid with similar properties. This variant was determined to be de novo or the result of germline mosaicism in at least one individual with features consistent with Noonan syndrome (Ambry internal data). Other variant(s) at the same codon, p.M91V (c.271A>G), have been identified in individual(s) with features consistent with Noonan syndrome (Motta M et al. Hum Mol Genet, 2019 Mar;28:1007-1022; Uluda Alkaya D et al. Am J Med Genet A, 2021 Dec;185:3623-3633). This amino acid position is highly conserved in available vertebrate species. In addition, the in silico prediction for this alteration is inconclusive. Based on the supporting evidence, this variant is likely pathogenic for autosomal dominant Noonan syndrome; however, the association of this alteration with an increased risk of LZTR1-related schwannomatosis (SWN) is unknown.

Baylor Genetics
Classification: Uncertain significance for Noonan syndrome 10. Last evaluated: 2019-10-03. Review status: criteria provided, single submitter. Criteria: ACMG Guidelines, 2015. Collection method: clinical testing. Allele origin: unknown. Affected: yes.
Comment: This variant was determined to be of uncertain significance according to ACMG Guidelines, 2015 [PMID:25741868].

NM_006767.4(LZTR1):c.272T>C (p.Met91Thr)

Gene: LZTR1 (leucine zipper like post translational regulator 1; plus strand). Cytogenetic location: 22q11.21.
Variant type: single nucleotide variant.
Coding change: c.272T>C on transcript NM_006767.4 (MANE Select); coding-DNA position 272, T replaced by C.
Protein change: p.Met91Thr; replaces methionine 91 with threonine.
Molecular consequence: missense variant.
Genome position (GRCh38, 1-based): chr22:20,985,849, T>C. VCF-style: chr22-20985849-T-C. GRCh37 (hg19) VCF-style: chr22-21340138-T-C.
Other names: short protein forms M91T.
Identifiers: ClinVar variation 546581 (VCV000546581.6), dbSNP rs1555927321, ClinGen allele CA410778794.